The following is an entry in ClinVar:

NM_205768.3(ZBTB18):c.1325C>T (p.Ser442Leu)

Gene: ZBTB18 (zinc finger and BTB domain containing 18; plus strand). Cytogenetic location: 1q44.
Variant type: single nucleotide variant.
Coding change: c.1325C>T on transcript NM_205768.3 (MANE Select); coding-DNA position 1325, C replaced by T.
Protein change: p.Ser442Leu; replaces serine 442 with leucine.
Molecular consequence: missense variant. On other transcripts: 3 prime UTR variant (1).
Genome position (GRCh38, 1-based): chr1:244,055,099, C>T. VCF-style: chr1-244055099-C-T. GRCh37 (hg19) VCF-style: chr1-244218401-C-T.
Other names: c.1325C>T (NM_205768.2); c.1298C>T, p.Ser433Leu (NM_001278196.2, NM_006352.5); c.*502C>T (NM_001421566.1); short protein forms S433L, S442L.
Identifiers: ClinVar variation 3775204 (VCV003775204.2).

ClinVar aggregate classification (germline): Uncertain significance. Review status: criteria provided, multiple submitters, no conflicts (2 of 4 stars). 2 submissions from 2 submitters: Uncertain significance (2). Last evaluated 2026-03-15.

Conditions:
Intellectual developmental disorder, autosomal dominant 22. Also called: Intellectual disability, autosomal dominant 22. Identifiers: MedGen CN029689, MONDO:0012869, OMIM 612337.

Submissions (2):

GeneDx
Classification: Uncertain significance. Last evaluated: 2026-03-15. Review status: criteria provided, single submitter. Criteria: GeneDx Variant Classification Process June 2021. Collection method: clinical testing. Allele origin: germline.
Comment: Not observed at significant frequency in large population cohorts (gnomAD); In silico analysis supports that this missense variant has a deleterious effect on protein structure/function; Has not been previously published as pathogenic or benign to our knowledge

3billion
Classification: Uncertain significance for Intellectual developmental disorder, autosomal dominant 22. Last evaluated: 2023-08-28. Review status: criteria provided, single submitter. Criteria: ACMG Guidelines, 2015. Collection method: clinical testing. Allele origin: germline. Affected: yes.
Comment: The variant is not observed in the gnomAD v2.1.1 dataset. Predicted Consequence/Location: Missense changes are a common disease-causing mechanism. In silico tool predictions suggest damaging effect of the variant on gene or gene product [3Cnet: 0.91 (>=0.6, sensitivity 0.72 and precision 0.9)]. Therefore, this variant is classified as VUS according to the recommendation of ACMG/AMP guideline.